The following is an entry in ClinVar:

NM_000038.6(APC):c.2015A>C (p.His672Pro)

Gene: APC (APC regulator of Wnt signaling pathway; plus strand). Cytogenetic location: 5q22.2.
Variant type: single nucleotide variant.
Coding change: c.2015A>C on transcript NM_000038.6 (MANE Select); coding-DNA position 2015, A replaced by C.
Protein change: p.His672Pro; replaces histidine 672 with proline.
Molecular consequence: missense variant.
Genome position (GRCh38, 1-based): chr5:112,837,609, A>C. VCF-style: chr5-112837609-A-C. GRCh37 (hg19) VCF-style: chr5-112173306-A-C.
Other names: c.2015A>C, p.His672Pro (NM_001127510.3, NM_001354895.2, NM_001407450.1); c.1961A>C, p.His654Pro (NM_001127511.3); c.2069A>C, p.His690Pro (NM_001354896.2, NM_001407447.1, NM_001407448.1 and 1 more transcripts); c.2045A>C, p.His682Pro (NM_001354897.2); c.1940A>C, p.His647Pro (NM_001354898.2); c.1931A>C, p.His644Pro (NM_001354899.2); c.1892A>C, p.His631Pro (NM_001354900.2); c.1838A>C, p.His613Pro (NM_001354901.2, NM_001407453.1); and 11 more; short protein forms H543P, H546P, H571P, H647P, H389P, H613P, H662P, H682P.
Identifiers: ClinVar variation 1784458 (VCV001784458.2), dbSNP rs1003813738, ClinGen allele CA16025722.

ClinVar aggregate classification (germline): Uncertain significance (1 of 4 stars; one submission).

Conditions:
Hereditary cancer-predisposing syndrome. Also called: Neoplastic Syndromes, Hereditary; Tumor predisposition; Hereditary Cancer Syndrome; Hereditary neoplastic syndrome. Identifiers: Orphanet 140162, MedGen C0027672, MeSH D009386, MONDO:0015356.

Submission:

Ambry Genetics
Classification: Uncertain significance for Hereditary cancer-predisposing syndrome. Last evaluated: 2022-06-24. Review status: criteria provided, single submitter. Criteria: Ambry Variant Classification Scheme 2023. Collection method: clinical testing. Allele origin: germline.
Comment: The p.H672P variant (also known as c.2015A>C), located in coding exon 15 of the APC gene, results from an A to C substitution at nucleotide position 2015. The histidine at codon 672 is replaced by proline, an amino acid with similar properties. This amino acid position is conserved. In addition, in silico predictors for this gene do not accurately predict pathogenicity. Since supporting evidence is limited at this time, the clinical significance of this alteration remains unclear.